The following is an entry in ClinVar:

NC_000016.9:g.(?_53734541)_(53734645_?)del

Gene: RPGRIP1L (RPGRIP1 like; minus strand). Cytogenetic location: 16q12.2.
Variant type: Deletion.
Identifiers: ClinVar variation 2426111 (VCV002426111.5).

ClinVar aggregate classification (germline): Pathogenic (1 of 4 stars; one submission).

Conditions:
Joubert syndrome. Also called: CEREBELLOPARENCHYMAL DISORDER IV; JOUBERT-BOLTSHAUSER SYNDROME; Familial aplasia of the vermis. Identifiers: Orphanet 475, MedGen C5979921, MONDO:0018772.
Meckel-Gruber syndrome. Also called: DYSENCEPHALIA SPLANCHNOCYSTICA; GRUBER SYNDROME; Dysencephalia splachnocystica. Identifiers: Orphanet 564, MedGen C0265215, MONDO:0018921.

Submission:

Labcorp Genetics (formerly Invitae), Labcorp
Classification: Pathogenic for Joubert syndrome; Meckel-Gruber syndrome. Last evaluated: 2022-01-24. Review status: criteria provided, single submitter. Criteria: Invitae Variant Classification Sherloc (09022015). Collection method: clinical testing. Allele origin: germline.
Comment: This variant is a gross deletion of the genomic region encompassing exon(s) 2 of the RPGRIP1L gene, which includes the initiator codon. This deletion extends beyond the assayed region for this gene and therefore may encompass additional genes. It is expected to result in an absent or disrupted protein product. Loss-of-function variants in RPGRIP1L are known to be pathogenic (PMID: 17558409). This variant has not been reported in the literature in individuals affected with RPGRIP1L-related conditions. For these reasons, this variant has been classified as Pathogenic.

Literature cited by the submitters: PubMed 17558409.